The following is an entry in ClinVar:

NM_000051.4(ATM):c.4199A>C (p.Lys1400Thr)

Gene: ATM (ATM serine/threonine kinase; plus strand). Cytogenetic location: 11q22.3.
Variant type: single nucleotide variant.
Coding change: c.4199A>C on transcript NM_000051.4 (MANE Select); coding-DNA position 4199, A replaced by C.
Protein change: p.Lys1400Thr; replaces lysine 1400 with threonine.
Molecular consequence: missense variant.
Genome position (GRCh38, 1-based): chr11:108,289,066, A>C. VCF-style: chr11-108289066-A-C. GRCh37 (hg19) VCF-style: chr11-108159793-A-C.
Other names: c.4199A>C, p.Lys1400Thr (NM_001351834.2); short protein forms K1400T.
Identifiers: ClinVar variation 1738602 (VCV001738602.2), dbSNP rs2135753020, ClinGen allele CA382530344.

ClinVar aggregate classification (germline): Uncertain significance (1 of 4 stars; one submission).

Conditions:
Hereditary cancer-predisposing syndrome. Also called: Hereditary Cancer Syndrome; Hereditary neoplastic syndrome; Neoplastic Syndromes, Hereditary; Tumor predisposition. Identifiers: Orphanet 140162, MedGen C0027672, MeSH D009386, MONDO:0015356.

Submission:

Ambry Genetics
Classification: Uncertain significance for Hereditary cancer-predisposing syndrome. Last evaluated: 2022-01-01. Review status: criteria provided, single submitter. Criteria: Ambry Variant Classification Scheme 2023. Collection method: clinical testing. Allele origin: germline.
Comment: The p.K1400T variant (also known as c.4199A>C), located in coding exon 27 of the ATM gene, results from an A to C substitution at nucleotide position 4199. The lysine at codon 1400 is replaced by threonine, an amino acid with similar properties. This amino acid position is conserved. In addition, the in silico prediction for this alteration is inconclusive. Since supporting evidence is limited at this time, the clinical significance of this alteration remains unclear.